The following is an entry in ClinVar:

ClinVar aggregate classification (germline): Uncertain significance (1 of 4 stars; one submission).

Submission:

Labcorp Genetics (formerly Invitae), Labcorp
Classification: Uncertain significance. Last evaluated: 2022-03-24. Review status: criteria provided, single submitter. Criteria: Invitae Variant Classification Sherloc (09022015). Collection method: clinical testing. Allele origin: germline.
Comment: In summary, the available evidence is currently insufficient to determine the role of this variant in disease. Therefore, it has been classified as a Variant of Uncertain Significance. Algorithms developed to predict the effect of missense changes on protein structure and function output the following: SIFT: "Not Available"; PolyPhen-2: "Benign"; Align-GVGD: "Not Available". The glutamine amino acid residue is found in multiple mammalian species, which suggests that this missense change does not adversely affect protein function. This variant has not been reported in the literature in individuals affected with ANK3-related conditions. This variant is not present in population databases (gnomAD no frequency). This sequence change replaces lysine, which is basic and polar, with glutamine, which is neutral and polar, at codon 2699 of the ANK3 protein (p.Lys2699Gln).

NM_020987.5(ANK3):c.8095A>C (p.Lys2699Gln)

Gene: ANK3 (ankyrin 3; minus strand). Cytogenetic location: 10q21.2.
Variant type: single nucleotide variant.
Coding change: c.8095A>C on transcript NM_020987.5 (MANE Select); coding-DNA position 8095, A replaced by C.
Protein change: p.Lys2699Gln; replaces lysine 2699 with glutamine.
Molecular consequence: missense variant. On other transcripts: intron variant (4).
Genome position (GRCh38, 1-based): chr10:60,072,786, T>G on the plus strand (A>C on the coding strand, the complement: ANK3 is on the minus strand). VCF-style: chr10-60072786-T-G. GRCh37 (hg19) VCF-style: chr10-61832544-T-G.
Other names: c.4388-4777A>C (NM_001204403.2); c.4409-4777A>C (NM_001204404.2); c.4406-4777A>C (NM_001320874.2); c.1808-4777A>C (NM_001149.4); short protein forms K2699Q.
Identifiers: ClinVar variation 1345151 (VCV001345151.6), dbSNP rs2131976054, ClinGen allele CA377008606.